The following is an entry in ClinVar:

NM_001242957.3(MAK):c.458A>G (p.Gln153Arg)

Gene: MAK (male germ cell associated kinase; minus strand). Cytogenetic location: 6p24.2.
Variant type: single nucleotide variant.
Coding change: c.458A>G on transcript NM_001242957.3 (MANE Select); coding-DNA position 458, A replaced by G.
Protein change: p.Gln153Arg; replaces glutamine 153 with arginine.
Molecular consequence: missense variant. On other transcripts: non-coding transcript variant (2).
Genome position (GRCh38, 1-based): chr6:10,808,843, T>C on the plus strand (A>G on the coding strand, the complement: MAK is on the minus strand). VCF-style: chr6-10808843-T-C. GRCh37 (hg19) VCF-style: chr6-10809076-T-C.
Other names: c.458A>G, p.Gln153Arg (NM_001242385.2, NM_005906.6); c.356A>G, p.Gln119Arg (NM_001377262.1); short protein forms Q119R, Q153R.
Identifiers: ClinVar variation 1925949 (VCV001925949.5), dbSNP rs1218496202, ClinGen allele CA362720804.

ClinVar aggregate classification (germline): Uncertain significance (1 of 4 stars; one submission).

Allele frequency attached by ClinVar (database versions not stated): TOPMed below 0.00001; gnomAD 0.00001; gnomAD exomes 0.00002.

Submission:

Labcorp Genetics (formerly Invitae), Labcorp
Classification: Uncertain significance. Last evaluated: 2023-03-11. Review status: criteria provided, single submitter. Criteria: Invitae Variant Classification Sherloc (09022015). Collection method: clinical testing. Allele origin: germline.
Comment: This sequence change replaces glutamine, which is neutral and polar, with arginine, which is basic and polar, at codon 153 of the MAK protein (p.Gln153Arg). Advanced modeling of protein sequence and biophysical properties (such as structural, functional, and spatial information, amino acid conservation, physicochemical variation, residue mobility, and thermodynamic stability) performed at Invitae indicates that this missense variant is not expected to disrupt MAK protein function. In summary, the available evidence is currently insufficient to determine the role of this variant in disease. Therefore, it has been classified as a Variant of Uncertain Significance. This variant is present in population databases (no rsID available, gnomAD 0.0008%). This variant has not been reported in the literature in individuals affected with MAK-related conditions. ClinVar contains an entry for this variant (Variation ID: 1925949).